The following is an entry in ClinVar:

NM_014336.5(AIPL1):c.466-1G>C

Gene: AIPL1 (AIP like 1 HSP90 co-chaperone; minus strand). Cytogenetic location: 17p13.2.
Variant type: single nucleotide variant.
Coding change: c.466-1G>C on transcript NM_014336.5 (MANE Select); the canonical splice acceptor site of the intron before coding-DNA position 466, G replaced by C.
Molecular consequence: splice acceptor variant. On other transcripts: intron variant (1).
Genome position (GRCh38, 1-based): chr17:6,427,058, C>G on the plus strand (G>C on the coding strand, the complement: AIPL1 is on the minus strand). VCF-style: chr17-6427058-C-G. GRCh37 (hg19) VCF-style: chr17-6330378-C-G.
Other names: c.286-1G>C (NM_001033055.3); c.400-1G>C (NM_001285400.3); c.430-1G>C (NM_001285399.3); c.277-1G>C (NM_001033054.3); c.466-1G>C (NM_001285401.3); c.349-1G>C (NM_001285402.2); c.466-25G>C (NM_001285403.4).
Identifiers: ClinVar variation 916629 (VCV000916629.4), dbSNP rs1567637467, ClinGen allele CA397395835.

ClinVar aggregate classification (germline): Likely pathogenic. Review status: criteria provided, single submitter (1 of 4 stars). 2 submissions from 2 submitters: Likely pathogenic (1). 1 of the submissions does not count toward it. Last evaluated 2024-02-13.

Conditions:
Leber congenital amaurosis 4 (LCA4). Identifiers: MedGen C1858386, MONDO:0011458, OMIM 604393.

Allele frequency attached by ClinVar (database versions not stated): gnomAD exomes below 0.00001.

Submissions (2):

Labcorp Genetics (formerly Invitae), Labcorp
Classification: Likely pathogenic for Leber congenital amaurosis 4. Last evaluated: 2024-02-13. Review status: criteria provided, single submitter. Criteria: Invitae Variant Classification Sherloc (09022015). Collection method: clinical testing. Allele origin: germline.
Comment: This sequence change affects an acceptor splice site in intron 3 of the AIPL1 gene. It is expected to disrupt RNA splicing. Variants that disrupt the donor or acceptor splice site typically lead to a loss of protein function (PMID: 16199547), and loss-of-function variants in AIPL1 are known to be pathogenic (PMID: 10615133, 15249368, 15347646). This variant is not present in population databases (gnomAD no frequency). This variant has not been reported in the literature in individuals affected with AIPL1-related conditions. ClinVar contains an entry for this variant (Variation ID: 916629). Algorithms developed to predict the effect of sequence changes on RNA splicing suggest that this variant may disrupt the consensus splice site. In summary, the currently available evidence indicates that the variant is pathogenic, but additional data are needed to prove that conclusively. Therefore, this variant has been classified as Likely Pathogenic.

Laboratory of Genetics in Ophthalmology, Institut Imagine
Classification: Pathogenic for Leber congenital amaurosis 4. Review status: no assertion criteria provided. Collection method: research. Allele origin: inherited. Affected: yes. Observed: 1 variant allele. Not counted in ClinVar's aggregate classification.

Literature cited by the submitters: PubMed 16199547 (cited by Labcorp Genetics (formerly Invitae), Labcorp); PubMed 10615133 (cited by Labcorp Genetics (formerly Invitae), Labcorp); PubMed 15249368 (cited by Labcorp Genetics (formerly Invitae), Labcorp); PubMed 15347646 (cited by Labcorp Genetics (formerly Invitae), Labcorp).